The following is an entry in ClinVar:

NM_004186.5(SEMA3F):c.202C>G (p.Arg68Gly)

Gene: SEMA3F (semaphorin 3F; plus strand). Cytogenetic location: 3p21.31.
Variant type: single nucleotide variant.
Coding change: c.202C>G on transcript NM_004186.5 (MANE Select); coding-DNA position 202, C replaced by G.
Protein change: p.Arg68Gly; replaces arginine 68 with glycine.
Molecular consequence: missense variant. On other transcripts: 5 prime UTR variant (1).
Genome position (GRCh38, 1-based): chr3:50,173,882, C>G. VCF-style: chr3-50173882-C-G. GRCh37 (hg19) VCF-style: chr3-50211315-C-G.
Other names: c.-3C>G (NM_001318798.2); c.202C>G, p.Arg68Gly (NM_001318800.2); short protein forms R68G.
Identifiers: ClinVar variation 3344880 (VCV003344880.1).

ClinVar aggregate classification (germline): Uncertain significance (0 of 4 stars; one submission).

Conditions:
SEMA3F-related disorder. Also called: SEMA3F-related condition.

Submission:

PreventionGenetics, part of Exact Sciences
Classification: Uncertain significance for SEMA3F-related condition. Last evaluated: 2024-06-15. Review status: no assertion criteria provided. Collection method: clinical testing. Allele origin: germline.
Comment: The SEMA3F c.202C>G variant is predicted to result in the amino acid substitution p.Arg68Gly. To our knowledge, this variant has not been reported in the literature or in a large population database, indicating this variant is rare. At this time, the clinical significance of this variant is uncertain due to the absence of conclusive functional and genetic evidence.